The following is an entry in ClinVar:

NM_000632.4(ITGAM):c.1141T>C (p.Tyr381His)

Gene: ITGAM (integrin subunit alpha M; plus strand). Cytogenetic location: 16p11.2.
Variant type: single nucleotide variant.
Coding change: c.1141T>C on transcript NM_000632.4 (MANE Select); coding-DNA position 1141, T replaced by C.
Protein change: p.Tyr381His; replaces tyrosine 381 with histidine.
Molecular consequence: missense variant.
Genome position (GRCh38, 1-based): chr16:31,276,977, T>C. VCF-style: chr16-31276977-T-C. GRCh37 (hg19) VCF-style: chr16-31288298-T-C.
Other names: c.1141T>C, p.Tyr381His (LRG_1333t1, NM_001145808.2); c.1141T>C (NM_000632.3); short protein forms Y381H.
Identifiers: ClinVar variation 444369 (VCV000444369.48), dbSNP rs372291727, ClinGen allele CA8025450.
Genomic context (GRCh38, chr16:31,276,977, plus strand): 5'-CAGAATGGCCCCTTGCTGAGCACTGTGGGGAGCTATGACTGGGCTGGTGGAGTCTTTCTA[T>C]ATACATCAAAGGAGAAAAGCACCTTCATCAACATGACCAGAGTGGATTCAGACATGAATG-3'
Protein context (NP_000623.2, residues 371-391): SYDWAGGVFL[Tyr381His]TSKEKSTFIN

ClinVar aggregate classification (germline): Conflicting classifications of pathogenicity. Review status: criteria provided, conflicting classifications (1 of 4 stars). 3 submissions from 3 submitters: Uncertain significance (2); Likely benign (1). Last evaluated 2026-01-17.

Allele frequency attached by ClinVar (database versions not stated): gnomAD exomes 0.00006 and 0.00009; ExAC 0.00007; TOPMed 0.00008; gnomAD 0.00010 and 0.00011; ESP Exome Variant Server 0.00016.
gnomAD v4.1: 148 of 1,613,150 alleles (0.0092%); highest among the groups gnomAD compares: Non-Finnish European, 0.011%; no homozygotes.

Submissions (3):

Labcorp Genetics (formerly Invitae), Labcorp
Classification: Uncertain significance. Last evaluated: 2026-01-17. Review status: criteria provided, single submitter. Criteria: Invitae Variant Classification Sherloc (09022015). Collection method: clinical testing. Allele origin: germline.
Comment: This sequence change replaces tyrosine, which is neutral and polar, with histidine, which is basic and polar, at codon 381 of the ITGAM protein (p.Tyr381His). This variant is present in population databases (rs372291727, gnomAD 0.01%). This variant has not been reported in the literature in individuals affected with ITGAM-related conditions. ClinVar contains an entry for this variant (Variation ID: 444369). An algorithm developed to predict the effect of missense changes on protein structure and function outputs the following: PolyPhen-2: "Benign". The histidine amino acid residue is found in multiple mammalian species, which suggests that this missense change does not adversely affect protein function. In summary, the available evidence is currently insufficient to determine the role of this variant in disease. Therefore, it has been classified as a Variant of Uncertain Significance.

Ambry Genetics
Classification: Likely benign. Last evaluated: 2025-05-06. Review status: criteria provided, single submitter. Criteria: Ambry Variant Classification Scheme 2023. Collection method: clinical testing. Allele origin: germline.

CeGaT Center for Human Genetics Tuebingen
Classification: Uncertain significance. Last evaluated: 2017-05-01. Review status: criteria provided, single submitter. Criteria: CeGaT Center For Human Genetics Tuebingen Variant Classification Criteria Version 2. Collection method: clinical testing. Allele origin: germline. Affected: yes. Observed: 1 variant allele.